The following is an entry in ClinVar:

ClinVar aggregate classification (germline): Uncertain significance (1 of 4 stars; one submission).

Submission:

Labcorp Genetics (formerly Invitae), Labcorp
Classification: Uncertain significance. Last evaluated: 2023-11-18. Review status: criteria provided, single submitter. Criteria: Invitae Variant Classification Sherloc (09022015). Collection method: clinical testing. Allele origin: germline.
Comment: This sequence change creates a premature translational stop signal (p.Glu788*) in the CSF2RB gene. While this is not anticipated to result in nonsense mediated decay, it is expected to disrupt the last 110 amino acid(s) of the CSF2RB protein. This variant is not present in population databases (gnomAD no frequency). This variant has not been reported in the literature in individuals affected with CSF2RB-related conditions. Experimental studies and prediction algorithms are not available or were not evaluated, and the functional significance of this variant is currently unknown. In summary, the available evidence is currently insufficient to determine the role of this variant in disease. Therefore, it has been classified as a Variant of Uncertain Significance.

NM_000395.3(CSF2RB):c.2360dup (p.Pro787_Glu788insTer)

Gene: CSF2RB (colony stimulating factor 2 receptor subunit beta; plus strand). Cytogenetic location: 22q12.3.
Variant type: Duplication.
Coding change: c.2360dup on transcript NM_000395.3 (MANE Select); coding-DNA position 2360, one base duplicated (C; older notation c.2360dupC).
Protein change: p.Pro787_Glu788insTer.
Molecular consequence: frameshift variant.
Genome position (GRCh38, 1-based): chr22:36,938,168, C duplicated; the last of 6 consecutive C bases (chr22:36,938,163-36,938,168); duplicating any one gives the same sequence. VCF-style (leftmost placement, unchanged base first): chr22-36938162-T-TC. GRCh37 (hg19) VCF-style: chr22-37334204-T-TC.
Other names: c.2378dup, p.Pro793_Glu794insTer (NM_001410827.1).
Identifiers: ClinVar variation 2697014 (VCV002697014.3), dbSNP rs2518011208, ClinGen allele CA645620627.
Genomic context (GRCh38, chr22:36,938,162, plus strand): 5'-GCTATGTGGAGCTCCCTCCAATTGAGGGCCGGTCCCCCAGGTCACCAAGGAACAATCCTG[T>TC]CCCCCCTGAGGCCAAAAGCCCTGTCCTGAACCCAGGGGAACGCCCGGCAGATGTGTCCCC-3'